The following is an entry in ClinVar:

NM_014845.6(FIG4):c.535C>T (p.Leu179Phe)

Gene: FIG4 (FIG4 phosphoinositide 5-phosphatase; plus strand). Cytogenetic location: 6q21.
Variant type: single nucleotide variant.
Coding change: c.535C>T on transcript NM_014845.6 (MANE Select); coding-DNA position 535, C replaced by T.
Protein change: p.Leu179Phe; replaces leucine 179 with phenylalanine.
Molecular consequence: missense variant.
Genome position (GRCh38, 1-based): chr6:109,735,187, C>T. VCF-style: chr6-109735187-C-T. GRCh37 (hg19) VCF-style: chr6-110056390-C-T.
Other names: p.Leu179Phe; short protein forms L179F.
Identifiers: ClinVar variation 664476 (VCV000664476.52), dbSNP rs141116831, ClinGen allele CA3955830.

ClinVar aggregate classification (germline): Conflicting classifications of pathogenicity. Review status: criteria provided, conflicting classifications (1 of 4 stars). 5 submissions from 5 submitters: Uncertain significance (4); Likely benign (1). Last evaluated 2026-01-22.

Conditions:
FIG4-related disorder. Also called: FIG4-related condition; FIG4-related disorders.
Inborn genetic diseases. Identifiers: MedGen C0950123, MeSH D030342.
Charcot-Marie-Tooth disease type 4. Also called: Charcot-Marie-Tooth, Type 4; Charcot-Marie-Tooth disease, type IV. Identifiers: Orphanet 64749, MedGen C4082197, MONDO:0018995.

Allele frequency attached by ClinVar (database versions not stated): TOPMed 0.00004; gnomAD 0.00005 and 0.00006; ExAC 0.00013; ESP Exome Variant Server 0.00015.

Submissions (5):

PreventionGenetics, part of Exact Sciences
Classification: Uncertain significance for FIG4-related condition. Last evaluated: 2026-01-22. Review status: criteria provided, single submitter. Criteria: ACMG Guidelines, 2015. Collection method: clinical testing. Allele origin: germline.
Comment: The FIG4 c.535C>T variant is predicted to result in the amino acid substitution p.Leu179Phe. This variant was reported in an individual suspected to have Charcot Marie Tooth disease (Yalcintepe et al. 2021. PubMed ID: 34169998). This variant is reported in 0.012% of alleles in individuals of European (non-Finnish) descent in gnomAD. At this time, the clinical significance of this variant is uncertain due to the absence of conclusive functional and genetic evidence.

Mayo Clinic Laboratories, Mayo Clinic
Classification: Uncertain significance. Last evaluated: 2024-12-10. Review status: criteria provided, single submitter. Criteria: ACMG Guidelines, 2015. Collection method: clinical testing. Allele origin: germline. Observed: 2 variant alleles.

Labcorp Genetics (formerly Invitae), Labcorp
Classification: Uncertain significance for Charcot-Marie-Tooth disease type 4. Last evaluated: 2022-06-28. Review status: criteria provided, single submitter. Criteria: Invitae Variant Classification Sherloc (09022015). Collection method: clinical testing. Allele origin: germline.
Comment: This sequence change replaces leucine, which is neutral and non-polar, with phenylalanine, which is neutral and non-polar, at codon 179 of the FIG4 protein (p.Leu179Phe). This variant is present in population databases (rs141116831, gnomAD 0.01%). This missense change has been observed in individual(s) with clinical features of Charcot-Marie-Tooth disease (PMID: 34169998). ClinVar contains an entry for this variant (Variation ID: 664476). Algorithms developed to predict the effect of missense changes on protein structure and function are either unavailable or do not agree on the potential impact of this missense change (SIFT: "Tolerated"; PolyPhen-2: "Possibly Damaging"; Align-GVGD: "Class C0"). In summary, the available evidence is currently insufficient to determine the role of this variant in disease. Therefore, it has been classified as a Variant of Uncertain Significance.

Ambry Genetics
Classification: Uncertain significance for Inborn genetic diseases. Last evaluated: 2021-12-03. Review status: criteria provided, single submitter. Criteria: Ambry Variant Classification Scheme 2023. Collection method: clinical testing. Allele origin: germline.
Comment: The p.L179F variant (also known as c.535C>T), located in coding exon 6 of the FIG4 gene, results from a C to T substitution at nucleotide position 535. The leucine at codon 179 is replaced by phenylalanine, an amino acid with highly similar properties. This amino acid position is conserved. In addition, the in silico prediction for this alteration is inconclusive. Since supporting evidence is limited at this time, the clinical significance of this alteration remains unclear.

CeGaT Center for Human Genetics Tuebingen
Classification: Likely benign. Last evaluated: 2019-03-01. Review status: criteria provided, single submitter. Criteria: CeGaT Center For Human Genetics Tuebingen Variant Classification Criteria Version 2. Collection method: clinical testing. Allele origin: germline. Affected: yes. Observed: 1 variant allele.

Literature cited by the submitters: PubMed 34169998 (cited by Mayo Clinic Laboratories, Mayo Clinic and Labcorp Genetics (formerly Invitae), Labcorp).